The following is an entry in ClinVar:

NM_001122752.2(SERPINI1):c.1231dup (p.Ter411LeuextTer?)

Gene: SERPINI1 (serpin family I member 1; plus strand). Cytogenetic location: 3q26.1.
Variant type: Duplication.
Coding change: c.1231dup on transcript NM_001122752.2 (MANE Select); coding-DNA position 1231, one base duplicated (T; older notation c.1231dupT).
Protein change: p.Ter411LeuextTer?.
Molecular consequence: frameshift variant, stop lost.
Genome position (GRCh38, 1-based): chr3:167,825,321, T duplicated; the last of 3 consecutive T bases (chr3:167,825,319-167,825,321); duplicating any one gives the same sequence. VCF-style (leftmost placement, unchanged base first): chr3-167825318-C-CT. GRCh37 (hg19) VCF-style: chr3-167543106-C-CT.
Other names: c.1231dup, p.Ter411LeuextTer? (NM_005025.5).
Identifiers: ClinVar variation 1362730 (VCV001362730.6), dbSNP rs2108576541, ClinGen allele CA2573136732.

ClinVar aggregate classification (germline): Uncertain significance (1 of 4 stars; one submission).

Conditions:
Familial encephalopathy with neuroserpin inclusion bodies. Also called: ENCEPHALOPATHY, FAMILIAL, WITH COLLINS BODIES. Identifiers: Orphanet 85110, MedGen C1858680, MONDO:0011412, OMIM 604218.

Submission:

Labcorp Genetics (formerly Invitae), Labcorp
Classification: Uncertain significance for Familial encephalopathy with neuroserpin inclusion bodies. Last evaluated: 2022-02-05. Review status: criteria provided, single submitter. Criteria: Invitae Variant Classification Sherloc (09022015). Collection method: clinical testing. Allele origin: germline.
Comment: In summary, the available evidence is currently insufficient to determine the role of this variant in disease. Therefore, it has been classified as a Variant of Uncertain Significance. Experimental studies and prediction algorithms are not available or were not evaluated, and the functional significance of this variant is currently unknown. This variant has not been reported in the literature in individuals affected with SERPINI1-related conditions. This variant is not present in population databases (gnomAD no frequency). This sequence change disrupts the translational stop signal of the SERPINI1 mRNA. It is expected to extend the length of the SERPINI1 protein by 5 additional amino acid residues.